The following is an entry in ClinVar:

ClinVar aggregate classification (germline): Uncertain significance (1 of 4 stars; one submission).

Conditions:
MELAS syndrome (MELAS). Also called: Juvenile myopathy, encephalopathy, lactic acidosis, stroke. Identifiers: Orphanet 550, MedGen C0162671, MONDO:0010789, OMIM 540000.

Submission:

Wong Mito Lab, Molecular and Human Genetics, Baylor College of Medicine
Classification: Uncertain significance for MELAS syndrome. Last evaluated: 2019-07-12. Review status: criteria provided, single submitter. Criteria: Modified ACMG Guidelines (Unpublished). Collection method: clinical testing. Allele origin: germline.
Comment: The NC_012920.1:m.1629A>G variant in MT-TV gene is interpreted to be a Unknown Significance variant based on the modified ACMG guidelines (unpublished). This variant meets the following evidence codes reported in the guidelines: PP3

Literature cited by the submitters: PubMed 31965079.

NC_012920.1(MT-TV):m.1629A>G

Gene: MT-TV (mitochondrially encoded tRNA valine; plus strand).
Variant type: single nucleotide variant.
Genome position: chrM-1629-A-G.
Identifiers: ClinVar variation 689839 (VCV000689839.1), dbSNP rs1603218587, ClinGen allele CA913163288.